The following is an entry in ClinVar:

ClinVar aggregate classification (germline): Pathogenic. Review status: criteria provided, single submitter (1 of 4 stars). 2 submissions from 2 submitters: Pathogenic (1). 1 of the submissions does not count toward it. Last evaluated 2024-06-17.

Conditions:
PKD1-related disorder. Also called: PKD1-related condition.
Polycystic kidney disease, adult type (PKD1). Also called: POLYCYSTIC KIDNEY DISEASE 1 WITH OR WITHOUT POLYCYSTIC LIVER DISEASE; POLYCYSTIC KIDNEY DISEASE, ADULT, TYPE I; Polycystic Kidney Disease 1, Autosomal Dominant; Polycystic kidney disease 1; Polycystic kidney disease 1, severe; Polycystic Kidney, Autosomal Dominant. Identifiers: MedGen C3149841, MONDO:0008263, OMIM 173900.

Submissions (2):

Fulgent Genetics
Classification: Pathogenic for Polycystic kidney disease, adult type. Last evaluated: 2024-06-17. Review status: criteria provided, single submitter. Criteria: ACMG Guidelines, 2015. Collection method: clinical testing. Allele origin: germline.

PreventionGenetics, part of Exact Sciences
Classification: Pathogenic for PKD1-related condition. Last evaluated: 2023-10-25. Review status: no assertion criteria provided. Collection method: clinical testing. Allele origin: germline. Not counted in ClinVar's aggregate classification.
Comment: The PKD1 c.11386dupG variant is predicted to result in a frameshift and premature protein termination (p.Ala3796Glyfs*20). This variant was reported in an individual with polycystic kidney disease 1 (Table S3, Cornec-Le Gall. 2016. PubMed ID: 26150605). This variant has not been reported in a large population database, indicating this variant is rare. Frameshift variants in PKD1 are expected to be pathogenic. This variant is interpreted as pathogenic.

NM_001009944.3(PKD1):c.11386dup (p.Ala3796fs)

Genes: PKD1 (polycystin 1, transient receptor potential channel interacting; minus strand), PKD1-AS1 (PKD1 antisense RNA 1; plus strand). Cytogenetic location: 16p13.3.
Variant type: Duplication.
Coding change: c.11386dup on transcript NM_001009944.3 (MANE Select); coding-DNA position 11386, one base duplicated (G; older notation c.11386dupG).
Protein change: p.Ala3796fs; shifts the reading frame from alanine 3796.
Molecular consequence: frameshift variant.
Genome position (GRCh38, 1-based): chr16:2,092,072, C duplicated on the plus strand (G on the coding strand, the reverse complement: PKD1 is on the minus strand); the first of 3 consecutive C bases (chr16:2,092,072-2,092,074); duplicating any one gives the same sequence. VCF-style (leftmost placement, unchanged base first): chr16-2092071-G-GC. GRCh37 (hg19) VCF-style: chr16-2142072-G-GC.
Other names: c.11383dup, p.Ala3795fs (NM_000296.4); c.11386dupG (NM_001009944.2); short protein forms A3795fs, A3796fs.
Identifiers: ClinVar variation 3031590 (VCV003031590.3), dbSNP rs2544624546, ClinGen allele CA2695221517.